The following is an entry in ClinVar:

ClinVar aggregate classification (germline): Pathogenic (1 of 4 stars; one submission).

Conditions:
Neurofibromatosis, type 1 (NF1). Also called: Peripheral type neurofibromatosis; NEUROFIBROMATOSIS, TYPE I, SOMATIC; VON RECKLINGHAUSEN DISEASE; Neurofibromatosis, type I. Identifiers: Orphanet 636, MedGen C0027831, MONDO:0018975, OMIM 162200. Disease mechanism: loss of function.

Submission:

Labcorp Genetics (formerly Invitae), Labcorp
Classification: Pathogenic for Neurofibromatosis, type 1. Last evaluated: 2025-05-01. Review status: criteria provided, single submitter. Criteria: Invitae Variant Classification Sherloc (09022015). Collection method: clinical testing. Allele origin: germline.
Comment: This sequence change creates a premature translational stop signal (p.Asp173Leufs*6) in the NF1 gene. It is expected to result in an absent or disrupted protein product. Loss-of-function variants in NF1 are known to be pathogenic (PMID: 10712197, 23913538). This variant is not present in population databases (gnomAD no frequency). This variant has not been reported in the literature in individuals affected with NF1-related conditions. ClinVar contains an entry for this variant (Variation ID: 2745155). For these reasons, this variant has been classified as Pathogenic.

Literature cited by the submitters: PubMed 10712197; PubMed 23913538.

NM_001042492.3(NF1):c.514_515dup (p.Asp173fs)

Gene: NF1 (neurofibromin 1; plus strand). Cytogenetic location: 17q11.2.
Variant type: Duplication.
Coding change: c.514_515dup on transcript NM_001042492.3 (MANE Select); coding-DNA positions 514 to 515, 2 bases duplicated (GT; older notation c.514_515dupGT).
Protein change: p.Asp173fs; shifts the reading frame from aspartic acid 173.
Molecular consequence: frameshift variant.
Genome position (GRCh38, 1-based): chr17:31,169,925-31,169,926, GT duplicated; duplicating any 2 consecutive bases within chr17:31,169,924-31,169,926 gives the same sequence; the c. name uses the placement nearest the transcript's 3' end. VCF-style (leftmost placement, unchanged base first): chr17-31169923-A-ATG. GRCh37 (hg19) VCF-style: chr17-29496941-A-ATG.
Other names: c.514_515dup, p.Asp173Leufs (NM_000267.4); c.514_515dup, p.Asp173fs (NM_001128147.3); short protein forms D173fs.
Identifiers: ClinVar variation 2745155 (VCV002745155.3), dbSNP rs2544718919, ClinGen allele CA2697559761.